The following is an entry in ClinVar:

NM_001127222.2(CACNA1A):c.1899A>G (p.Gln633=)

Gene: CACNA1A (calcium voltage-gated channel subunit alpha1 A; minus strand). Cytogenetic location: 19p13.13.
Variant type: single nucleotide variant.
Coding change: c.1899A>G on transcript NM_001127222.2 (MANE Select); coding-DNA position 1899, A replaced by G.
Protein change: p.Gln633=; no amino-acid change (glutamine 633 retained).
Molecular consequence: synonymous variant.
Genome position (GRCh38, 1-based): chr19:13,308,134, T>C on the plus strand (A>G on the coding strand, the complement: CACNA1A is on the minus strand). VCF-style: chr19-13308134-T-C. GRCh37 (hg19) VCF-style: chr19-13418948-T-C.
Other names: c.1902A>G, p.Gln634= (NM_000068.4, NM_001127221.2, NM_001174080.2 and 1 more transcripts); c.1899A>G (NM_001127222.1).
Identifiers: ClinVar variation 1654364 (VCV001654364.32), dbSNP rs769887736, ClinGen allele CA9240705.

ClinVar aggregate classification (germline): Likely benign. Review status: criteria provided, multiple submitters, no conflicts (2 of 4 stars). 5 submissions from 5 submitters: Likely benign (4). 1 of the submissions does not count toward it. Last evaluated 2025-09-21.

Conditions:
CACNA1A-related disorder. Also called: CACNA1A-related condition.
Episodic ataxia type 2 (EA2). Also called: ATAXIA, EPISODIC, WITH NYSTAGMUS; ATAXIA, FAMILIAL PAROXYSMAL; CEREBELLAR ATAXIA, PAROXYSMAL, ACETAZOLAMIDE-RESPONSIVE; CEREBELLOPATHY, HEREDITARY PAROXYSMAL; EPISODIC ATAXIA, NYSTAGMUS-ASSOCIATED; ACETAZOLAMIDE-RESPONSIVE HEREDITARY PAROXYSMAL CEREBELLAR ATAXIA. Identifiers: Orphanet 97, MedGen C1720416, MONDO:0007163, OMIM 108500.
Developmental and epileptic encephalopathy, 42 (DEE42A). Also called: DEVELOPMENTAL AND EPILEPTIC ENCEPHALOPATHY 42A; Epileptic encephalopathy, early infantile, 42; EPILEPTIC ENCEPHALOPATHY, EARLY INFANTILE, 42A. Identifiers: MedGen C4310716, MONDO:0014917, OMIM 617106.

Allele frequency attached by ClinVar (database versions not stated): gnomAD 0.00001; gnomAD exomes 0.00002 and 0.00005; TOPMed 0.00002; ExAC 0.00007.
gnomAD v4.1: 34 of 1,613,442 alleles (0.0021%); highest among the groups gnomAD compares: South Asian, 0.0055%; no homozygotes.

Submissions (5):

Labcorp Genetics (formerly Invitae), Labcorp
Classification: Likely benign for Developmental and epileptic encephalopathy, 42; Episodic ataxia type 2. Last evaluated: 2025-09-21. Review status: criteria provided, single submitter. Criteria: Invitae Variant Classification Sherloc (09022015). Collection method: clinical testing. Allele origin: germline.

Blueprint Genetics
Classification: Likely benign. Last evaluated: 2024-08-16. Review status: criteria provided, single submitter. Criteria: ACMG Guidelines, 2015. Collection method: clinical testing. Allele origin: germline.

CeGaT Center for Human Genetics Tuebingen
Classification: Likely benign. Last evaluated: 2024-01-01. Review status: criteria provided, single submitter. Criteria: CeGaT Center For Human Genetics Tuebingen Variant Classification Criteria Version 2. Collection method: clinical testing. Allele origin: germline. Affected: yes. Observed: 1 variant allele.
Comment: CACNA1A: BP4, BP7

Breakthrough Genomics
Classification: Likely benign. Review status: criteria provided, single submitter. Criteria: ACMG Guidelines, 2015. Collection method: not provided. Allele origin: germline. Inheritance: Autosomal dominant inheritance. Affected: yes.

PreventionGenetics, part of Exact Sciences
Classification: Likely benign for CACNA1A-related condition. Last evaluated: 2023-01-18. Review status: no assertion criteria provided. Collection method: clinical testing. Allele origin: germline. Not counted in ClinVar's aggregate classification.
Comment: This variant is classified as likely benign based on ACMG/AMP sequence variant interpretation guidelines (Richards et al. 2015 PMID: 25741868, with internal and published modifications).